The following is an entry in ClinVar:

ClinVar aggregate classification (germline): Uncertain significance (1 of 4 stars; one submission).

Conditions:
Retinitis pigmentosa 39 (RP39). Identifiers: Orphanet 791, MedGen C3151138, MONDO:0013436, OMIM 613809.

Submission:

Ocular Genomics Institute, Massachusetts Eye and Ear
Classification: Uncertain significance for Retinitis pigmentosa 39. Last evaluated: 2021-04-08. Review status: criteria provided, single submitter. Criteria: ACMG Guidelines, 2015. Collection method: research. Allele origin: germline. Affected: yes.
Comment: Through a review of available evidence we were able to apply the following criteria: PM2. Based on this evidence we have classified this variant as Variant of Uncertain Significance.

NM_206933.4(USH2A):c.4771G>A (p.Glu1591Lys)

Gene: USH2A (usherin; minus strand). Cytogenetic location: 1q41.
Variant type: single nucleotide variant.
Coding change: c.4771G>A on transcript NM_206933.4 (MANE Select); coding-DNA position 4771, G replaced by A.
Protein change: p.Glu1591Lys; replaces glutamic acid 1591 with lysine.
Molecular consequence: missense variant.
Genome position (GRCh38, 1-based): chr1:216,089,127, C>T on the plus strand (G>A on the coding strand, the complement: USH2A is on the minus strand). VCF-style: chr1-216089127-C-T. GRCh37 (hg19) VCF-style: chr1-216262469-C-T.
Other names: short protein forms E1591K.
Identifiers: ClinVar variation 1065662 (VCV001065662.1), dbSNP rs2102565367, ClinGen allele CA344860839.